The following is an entry in ClinVar:

ClinVar aggregate classification (germline): Uncertain significance (1 of 4 stars; one submission).

Submission:

GeneDx
Classification: Uncertain significance. Last evaluated: 2023-03-21. Review status: criteria provided, single submitter. Criteria: GeneDx Variant Classification Process June 2021. Collection method: clinical testing. Allele origin: germline. Affected: yes.
Comment: Not observed at significant frequency in large population cohorts (gnomAD); In silico analysis supports that this missense variant has a deleterious effect on protein structure/function; Has not been previously published as pathogenic or benign to our knowledge

NM_004999.4(MYO6):c.2891G>T (p.Arg964Ile)

Gene: MYO6 (myosin VI; plus strand). Cytogenetic location: 6q14.1.
Variant type: single nucleotide variant.
Coding change: c.2891G>T on transcript NM_004999.4 (MANE Select); coding-DNA position 2891, G replaced by T.
Protein change: p.Arg964Ile; replaces arginine 964 with isoleucine.
Molecular consequence: missense variant. On other transcripts: non-coding transcript variant (1).
Genome position (GRCh38, 1-based): chr6:75,891,251, G>T. VCF-style: chr6-75891251-G-T. GRCh37 (hg19) VCF-style: chr6-76600968-G-T.
Other names: c.2891G>T, p.Arg964Ile (NM_001300899.2, NM_001368136.1, NM_001368137.1 and 2 more transcripts); c.2876G>T, p.Arg959Ile (NM_001368138.1); short protein forms R959I, R964I.
Identifiers: ClinVar variation 2580667 (VCV002580667.1), dbSNP rs2535600381, ClinGen allele CA364777500.